The following is an entry in ClinVar:

NM_001378615.1(CC2D2A):c.42G>A (p.Glu14=)

Genes: CC2D2A (coiled-coil and C2 domain containing 2A; plus strand), FBXL5 (F-box and leucine rich repeat protein 5; minus strand). Cytogenetic location: 4p15.32.
Variant type: single nucleotide variant.
Coding change: c.42G>A on transcript NM_001378615.1 (MANE Select); coding-DNA position 42, G replaced by A.
Protein change: p.Glu14=; no amino-acid change (glutamic acid 14 retained).
Molecular consequence: synonymous variant.
Genome position (GRCh38, 1-based): chr4:15,478,725, G>A. VCF-style: chr4-15478725-G-A. GRCh37 (hg19) VCF-style: chr4-15480349-G-A.
Other names: c.42G>A, p.Glu14= (NM_001080522.2, NM_001164720.3, NM_020785.2).
Identifiers: ClinVar variation 1098110 (VCV001098110.10), dbSNP rs1455738671, ClinGen allele CA438382229.
Genomic context (GRCh38, chr4:15,478,725, plus strand): 5'-TAAAAGTCATACCTCTCTTCCTGTCTTAAGATTCTCTCCCTTTTGCATTTTCACAAAGGA[G>A]TTCATTGAAAATGATGAGGATGCAGACATGGGAAGACAGAATAAGAACTCAAAGGTTCGA-3'
Protein context (NP_001365544.1, residues 4-24): REEKVKIITE[Glu14=]FIENDEDADM

ClinVar aggregate classification (germline): Likely benign. Review status: criteria provided, multiple submitters, no conflicts (2 of 4 stars). 2 submissions from 2 submitters: Likely benign (2). Last evaluated 2025-01-25.

Conditions:
Joubert syndrome. Also called: JOUBERT-BOLTSHAUSER SYNDROME; Familial aplasia of the vermis. Identifiers: Orphanet 475, MedGen C5979921, MONDO:0018772.
Meckel-Gruber syndrome. Also called: DYSENCEPHALIA SPLANCHNOCYSTICA; GRUBER SYNDROME; Dysencephalia splachnocystica. Identifiers: Orphanet 564, MedGen C0265215, MONDO:0018921.
CC2D2A-related disorder. Also called: CC2D2A-related disorders; CC2D2A-related condition. Identifiers: MedGen CN239313.

Allele frequency attached by ClinVar (database versions not stated): TOPMed below 0.00001; gnomAD 0.00001.
gnomAD v4.1: 8 of 1,552,594 alleles (0.00052%); highest among the groups gnomAD compares: South Asian, 0.0071%; no homozygotes.

Submissions (2):

PreventionGenetics, part of Exact Sciences
Classification: Likely benign for CC2D2A-related condition. Last evaluated: 2025-01-25. Review status: criteria provided, single submitter. Criteria: ACMG Guidelines, 2015. Collection method: clinical testing. Allele origin: germline.
Comment: This variant is classified as likely benign based on ACMG/AMP sequence variant interpretation guidelines (Richards et al. 2015 PMID: 25741868, with internal and published modifications).

Labcorp Genetics (formerly Invitae), Labcorp
Classification: Likely benign for Joubert syndrome; Meckel-Gruber syndrome. Last evaluated: 2022-09-07. Review status: criteria provided, single submitter. Criteria: Invitae Variant Classification Sherloc (09022015). Collection method: clinical testing. Allele origin: germline.